The following is an entry in ClinVar:

NM_024757.5(EHMT1):c.3659G>A (p.Arg1220Gln)

Gene: EHMT1 (euchromatic histone lysine methyltransferase 1; plus strand). Cytogenetic location: 9q34.3.
Variant type: single nucleotide variant.
Coding change: c.3659G>A on transcript NM_024757.5 (MANE Select); coding-DNA position 3659, G replaced by A.
Protein change: p.Arg1220Gln; replaces arginine 1220 with glutamine.
Molecular consequence: missense variant.
Genome position (GRCh38, 1-based): chr9:137,834,467, G>A. VCF-style: chr9-137834467-G-A. GRCh37 (hg19) VCF-style: chr9-140728919-G-A.
Other names: c.3638G>A, p.Arg1213Gln (NM_001354263.2); short protein forms R1213Q, R1220Q.
Identifiers: ClinVar variation 853903 (VCV000853903.14), dbSNP rs761138496, ClinGen allele CA5375409.

ClinVar aggregate classification (germline): Conflicting classifications of pathogenicity. Review status: criteria provided, conflicting classifications (1 of 4 stars). 3 submissions from 3 submitters: Uncertain significance (1); Likely benign (2). Last evaluated 2024-11-11.

Conditions:
Inborn genetic diseases. Identifiers: MedGen C0950123, MeSH D030342.
Kleefstra syndrome 1 (KLEFS1). Identifiers: Orphanet 261494, MedGen C0795833, MONDO:0027407, OMIM 610253.

Allele frequency attached by ClinVar (database versions not stated): gnomAD exomes 0.00001 and 0.00002; TOPMed 0.00001; gnomAD 0.00001; ExAC 0.00001.
gnomAD v4.1: 25 of 1,612,794 alleles (0.0016%); highest among the groups gnomAD compares: Non-Finnish European, 0.0017%; no homozygotes.

Submissions (3):

Labcorp Genetics (formerly Invitae), Labcorp
Classification: Likely benign for Kleefstra syndrome 1. Last evaluated: 2024-11-11. Review status: criteria provided, single submitter. Criteria: Invitae Variant Classification Sherloc (09022015). Collection method: clinical testing. Allele origin: germline.

Ambry Genetics
Classification: Likely benign for Inborn genetic diseases. Last evaluated: 2022-05-04. Review status: criteria provided, single submitter. Criteria: Ambry Variant Classification Scheme 2023. Collection method: clinical testing. Allele origin: germline.

GeneDx
Classification: Uncertain significance. Last evaluated: 2020-05-06. Review status: criteria provided, single submitter. Criteria: GeneDx Variant Classification Process June 2021. Collection method: clinical testing. Allele origin: germline. Affected: yes.
Comment: In silico analysis, which includes protein predictors and evolutionary conservation, supports a deleterious effect; Has not been previously published as pathogenic or benign to our knowledge